The following is an entry in ClinVar:

ClinVar aggregate classification (germline): Uncertain significance (1 of 4 stars; one submission).

gnomAD v4.1: 3 of 1,612,762 alleles (0.00019%); highest among the groups gnomAD compares: Non-Finnish European, 0.00025%; no homozygotes.

Submission:

Labcorp Genetics (formerly Invitae), Labcorp
Classification: Uncertain significance. Last evaluated: 2026-01-19. Review status: criteria provided, single submitter. Criteria: Invitae Variant Classification Sherloc (09022015). Collection method: clinical testing. Allele origin: germline.
Comment: This sequence change replaces cysteine, which is neutral and slightly polar, with serine, which is neutral and polar, at codon 178 of the ERCC8 protein (p.Cys178Ser). This variant is not present in population databases (gnomAD no frequency). This variant has not been reported in the literature in individuals affected with ERCC8-related conditions. ClinVar contains an entry for this variant (Variation ID: 3016834). Invitae Evidence Modeling of protein sequence and biophysical properties (such as structural, functional, and spatial information, amino acid conservation, physicochemical variation, residue mobility, and thermodynamic stability) indicates that this missense variant is not expected to disrupt ERCC8 protein function with a negative predictive value of 80%. In summary, the available evidence is currently insufficient to determine the role of this variant in disease. Therefore, it has been classified as a Variant of Uncertain Significance.

NM_000082.4(ERCC8):c.532T>A (p.Cys178Ser)

Gene: ERCC8 (ERCC excision repair 8, CSA ubiquitin ligase complex subunit; minus strand). Cytogenetic location: 5q12.1.
Variant type: single nucleotide variant.
Coding change: c.532T>A on transcript NM_000082.4 (MANE Select); coding-DNA position 532, T replaced by A.
Protein change: p.Cys178Ser; replaces cysteine 178 with serine.
Molecular consequence: missense variant.
Genome position (GRCh38, 1-based): chr5:60,903,666, A>T on the plus strand (T>A on the coding strand, the complement: ERCC8 is on the minus strand). VCF-style: chr5-60903666-A-T. GRCh37 (hg19) VCF-style: chr5-60199493-A-T.
Other names: c.358T>A, p.Cys120Ser (NM_001007233.3); c.532T>A, p.Cys178Ser (NM_001007234.3); c.73T>A, p.Cys25Ser (NM_001290285.2); short protein forms C25S, C120S, C178S.
Identifiers: ClinVar variation 3016834 (VCV003016834.2), dbSNP rs774944497, ClinGen allele CA359826737.